The following is an entry in ClinVar:

ClinVar aggregate classification (germline): Uncertain significance. Review status: criteria provided, multiple submitters, no conflicts (2 of 4 stars). 2 submissions from 2 submitters: Uncertain significance (2). Last evaluated 2024-03-08.

Conditions:
Type 2 diabetes mellitus. Also called: Type II diabetes mellitus. Identifiers: MedGen C0011860, MeSH D003924, MONDO:0005148, OMIM 125853, HP:0005978.
Arterial calcification, generalized, of infancy, 1 (GACI1). Also called: Idiopathic Infantile Arterial Calcification. Identifiers: Orphanet 51608, MedGen C4551985, MONDO:0008817, OMIM 208000.
Hypopigmentation-punctate palmoplantar keratoderma syndrome. Also called: GUTTATE HYPOPIGMENTATION AND PUNCTATE PALMOPLANTAR KERATODERMA WITH OR WITHOUT ECTOPIC CALCIFICATION; Cole disease. Identifiers: Orphanet 324561, MedGen C3809781, MONDO:0014227, OMIM 615522.
Hypophosphatemic rickets, autosomal recessive, 2 (ARHR2). Identifiers: Orphanet 289176, MedGen C2750078, MONDO:0013219, OMIM 613312.
Inherited obesity. Also called: Monogenic Obesity. Identifiers: Orphanet 77828, MedGen C4054476, MONDO:0019182, OMIM 601665.

Allele frequency attached by ClinVar (database versions not stated): gnomAD 0.00001; gnomAD exomes 0.00001; TOPMed 0.00001.
gnomAD v4.1: 5 of 1,502,738 alleles (0.00033%); highest among the groups gnomAD compares: African/African-American, 0.0043%; no homozygotes.

Submissions (2):

Fulgent Genetics
Classification: Uncertain significance for Type 2 diabetes mellitus; Arterial calcification, generalized, of infancy, 1; Inherited obesity; Hypophosphatemic rickets, autosomal recessive, 2; Hypopigmentation-punctate palmoplantar keratoderma syndrome. Last evaluated: 2024-03-08. Review status: criteria provided, single submitter. Criteria: ACMG Guidelines, 2015. Collection method: clinical testing. Allele origin: germline.

Labcorp Genetics (formerly Invitae), Labcorp
Classification: Uncertain significance. Last evaluated: 2022-08-16. Review status: criteria provided, single submitter. Criteria: Invitae Variant Classification Sherloc (09022015). Collection method: clinical testing. Allele origin: germline.
Comment: In summary, the available evidence is currently insufficient to determine the role of this variant in disease. Therefore, it has been classified as a Variant of Uncertain Significance. Algorithms developed to predict the effect of missense changes on protein structure and function are either unavailable or do not agree on the potential impact of this missense change (SIFT: "Tolerated"; PolyPhen-2: "Probably Damaging"; Align-GVGD: "Class C0"). ClinVar contains an entry for this variant (Variation ID: 1490237). This variant has not been reported in the literature in individuals affected with ENPP1-related conditions. This variant is present in population databases (no rsID available, gnomAD 0.03%). This sequence change replaces serine, which is neutral and polar, with leucine, which is neutral and non-polar, at codon 79 of the ENPP1 protein (p.Ser79Leu).

NM_006208.3(ENPP1):c.236C>T (p.Ser79Leu)

Gene: ENPP1 (ectonucleotide pyrophosphatase/phosphodiesterase 1; plus strand). Cytogenetic location: 6q23.2.
Variant type: single nucleotide variant.
Coding change: c.236C>T on transcript NM_006208.3 (MANE Select); coding-DNA position 236, C replaced by T.
Protein change: p.Ser79Leu; replaces serine 79 with leucine.
Molecular consequence: missense variant.
Genome position (GRCh38, 1-based): chr6:131,808,271, C>T. VCF-style: chr6-131808271-C-T. GRCh37 (hg19) VCF-style: chr6-132129411-C-T.
Other names: short protein forms S79L.
Identifiers: ClinVar variation 1490237 (VCV001490237.7), dbSNP rs1320639230, ClinGen allele CA365662505.
Genomic context (GRCh38, chr6:131,808,271, plus strand): 5'-CGCTGGAGAAGGCGGCGCGCGCCCGCACTGCCAAGGACCCCAACACCTATAAAGTACTCT[C>T]GCTGGTAGGTCCGCGGCCAGGCCCCGGCGCCCGGGAGGGCTGGGAGTACGGGGAGGGCGG-3'
Protein context (NP_006199.2, residues 69-89): AKDPNTYKVL[Ser79Leu]LVLSVCVLTT